The following is an entry in ClinVar:

ClinVar aggregate classification (germline): Likely pathogenic (1 of 4 stars; one submission).

Conditions:
Gaucher disease. Also called: Acute cerebral Gaucher disease; Cerebroside lipidosis syndrome; Gaucher splenomegaly; Sphingolipidosis 1; Glucocerebrosidosis; Glucosylceramidase deficiency. Identifiers: Orphanet 355, MedGen C0017205, MONDO:0018150.

Submission:

Natera, Inc.
Classification: Likely pathogenic for Gaucher disease. Last evaluated: 2024-04-30. Review status: criteria provided, single submitter. Criteria: Natera Variant Classification Schema (03/2026). Collection method: clinical testing. Allele origin: germline.
Comment: The c.116-2A>G variant in GBA1 is a canonical splice acceptor site variant predicted to affect pre-mRNA splicing, which may result in an abnormal transcript and altered protein product. This variant is expected to result in nonsense mediated decay, truncation, or a dysfunctional protein product. This variant is rare in the general population with a frequency below the threshold expected for the associated phenotype(s). Given the available evidence, this variant is classified as Likely Pathogenic.

NM_000157.4(GBA1):c.116-2A>G

Genes: GBA1 (glucosylceramidase beta 1; minus strand), LOC106627981 (GBA recombination region; plus strand). Cytogenetic location: 1q22.
Variant type: single nucleotide variant.
Coding change: c.116-2A>G on transcript NM_000157.4 (MANE Select); the canonical splice acceptor site of the intron before coding-DNA position 116, A replaced by G.
Molecular consequence: splice acceptor variant.
Genome position (GRCh38, 1-based): chr1:155,240,079, T>C on the plus strand (A>G on the coding strand, the complement: GBA1 is on the minus strand). VCF-style: chr1-155240079-T-C. GRCh37 (hg19) VCF-style: chr1-155209870-T-C.
Other names: c.-146-2A>G (NM_001171811.2); c.116-2A>G (NM_001005742.3, NM_001005741.3, NM_001171812.2).
Identifiers: ClinVar variation 4817685 (VCV004817685.1).
Genomic context (GRCh38, chr1:155,240,079, plus strand): 5'-ATTGCAGACACACACCACCGAGCTGTAGCCGAAGCTTTTAGGGATGCAGGGGCGGGCACC[T>C]GGGAGGGAGGGAGTACAAGCAGAGTGAGGTCTGATGAAGACATGGAGAATGGACACATCT-3'